The following continues an entry in ClinVar:

NM_007294.4(BRCA1):c.5365G>T (p.Ala1789Ser)

Gene: BRCA1. ClinVar aggregate classification (germline): Conflicting classifications of pathogenicity. Uncertain significance (6); Likely benign (3).

Submissions 8 to 14 of 14:

Laboratory for Molecular Medicine, Mass General Brigham Personalized Medicine
Classification: Uncertain significance. Last evaluated: 2019-10-14. Review status: criteria provided, single submitter. Criteria: ACMG Guidelines, 2015. Collection method: clinical testing. Allele origin: germline.
Comment: Disclaimer: This variant has not undergone full assessment. The following are preliminary notes: Clinvar: LB (VKGL data-share consensus), VUS (Counsyl, Color, BIC - 1 individual). Not in gnomad. Functional and in silico assays classify variant as not pathogenic (Findlay 2018, Woods 2016, Lee 2010). One in silico study calls variant deleterious as a Serine at this position disrupts the BRCT superfamily conserved G[G/A] motif (Karchin 2008).

Clinical Genetics DNA and cytogenetics Diagnostics Lab, Erasmus MC, Erasmus Medical Center
Classification: Likely benign for Breast-ovarian cancer, familial, susceptibility to, 1. Last evaluated: 2015-09-21. Review status: criteria provided, single submitter. Criteria: ACGS Guidelines, 2013. Collection method: clinical testing. Allele origin: germline. Affected: yes. Study: VKGL Data-share Consensus.

Counsyl
Classification: Uncertain significance for Breast-ovarian cancer, familial, susceptibility to, 1. Last evaluated: 2017-05-09. Review status: no assertion criteria provided. Collection method: clinical testing. Allele origin: unknown. Not counted in ClinVar's aggregate classification.

Breast Cancer Information Core (BIC) (BRCA1)
Classification: Uncertain significance for Breast-ovarian cancer, familial 1. Last evaluated: 2003-12-23. Review status: no assertion criteria provided. Collection method: clinical testing. Allele origin: germline. Affected: yes. Observed: 3 variant alleles. Not counted in ClinVar's aggregate classification.

Brotman Baty Institute, University of Washington
No classification provided (evidence only). Condition: Breast-ovarian cancer, familial 1. Review status: no classification provided. Collection method: in vitro. Allele origin: not applicable. Functional consequence: functionally_normal. Not counted in ClinVar's aggregate classification.
ClinVar note: "not provided" was previously submitted as the classification for the variant. However, the classification appeared to be based only on an observation of functional data so it was converted to no classification on 2025-07-30.

Clinical Genetics Laboratory, Department of Pathology, Netherlands Cancer Institute
Classification: Benign. Review status: no assertion criteria provided. Collection method: clinical testing. Allele origin: germline. Affected: yes. Study: VKGL Data-share Consensus. Not counted in ClinVar's aggregate classification.

Joint Genome Diagnostic Labs from Nijmegen and Maastricht, Radboudumc and MUMC+
Classification: Benign. Review status: no assertion criteria provided. Collection method: clinical testing. Allele origin: germline. Affected: yes. Study: VKGL Data-share Consensus. Not counted in ClinVar's aggregate classification.

Literature cited by the submitters: PubMed 15887246 (cited by 5 submitters); PubMed 30209399 (cited by 5 submitters); PubMed 20516115 (cited by 4 submitters); PubMed 30257991 (cited by 3 submitters); PubMed 30765603 (cited by Labcorp Genetics (formerly Invitae), Labcorp and Women's Health and Genetics/Laboratory Corporation of America, LabCorp); PubMed 28781887 (cited by 3 submitters); PubMed 18680205 (cited by All of Us Research Program, National Institutes of Health and Color Diagnostics, LLC DBA Color Health); PubMed 19493677 (cited by All of Us Research Program, National Institutes of Health and Color Diagnostics, LLC DBA Color Health); PubMed 20737206 (cited by All of Us Research Program, National Institutes of Health and Color Diagnostics, LLC DBA Color Health); PubMed 29884841 (cited by All of Us Research Program, National Institutes of Health and Color Diagnostics, LLC DBA Color Health); PubMed 30264118 (cited by All of Us Research Program, National Institutes of Health and Color Diagnostics, LLC DBA Color Health); PubMed 30287823 (cited by All of Us Research Program, National Institutes of Health and Color Diagnostics, LLC DBA Color Health); PubMed 32546644 (cited by All of Us Research Program, National Institutes of Health and Color Diagnostics, LLC DBA Color Health); PubMed 24845084 (cited by Counsyl); PubMed 17305420 (cited by Counsyl); PubMed 15385441 (cited by Counsyl); PubMed 16683254 (cited by Counsyl); PubMed 16267036 (cited by Counsyl); PubMed 20167696 (cited by Counsyl).